The following is an entry in ClinVar:

NM_021969.3(NR0B2):c.100C>G (p.Arg34Gly)

Genes: NR0B2 (nuclear receptor subfamily 0 group B member 2; minus strand), NUDC (nuclear distribution C, dynein complex regulator; plus strand). Cytogenetic location: 1p36.11.
Variant type: single nucleotide variant.
Coding change: c.100C>G on transcript NM_021969.3 (MANE Select); coding-DNA position 100, C replaced by G.
Protein change: p.Arg34Gly; replaces arginine 34 with glycine.
Molecular consequence: missense variant.
Genome position (GRCh38, 1-based): chr1:26,913,841, G>C on the plus strand (C>G on the coding strand, the complement: NR0B2 is on the minus strand). VCF-style: chr1-26913841-G-C. GRCh37 (hg19) VCF-style: chr1-27240332-G-C.
Other names: short protein forms R34G.
Identifiers: ClinVar variation 2636245 (VCV002636245.6), dbSNP rs74315349, ClinGen allele CA709734.

ClinVar aggregate classification (germline): Uncertain significance. Review status: criteria provided, multiple submitters, no conflicts (2 of 4 stars). 2 submissions from 2 submitters: Uncertain significance (2). Last evaluated 2026-08-21.

Conditions:
NR0B2-related disorder. Also called: NR0B2-related condition.

gnomAD v4.1: 217 of 1,509,228 alleles (0.014%); highest among the groups gnomAD compares: Non-Finnish European, 0.015%; no homozygotes.

Submissions (2):

PreventionGenetics, part of Exact Sciences
Classification: Uncertain significance for NR0B2-related condition. Last evaluated: 2026-08-21. Review status: criteria provided, single submitter. Criteria: ACMG Guidelines, 2015. Collection method: clinical testing. Allele origin: germline.
Comment: The NR0B2 c.100C>G variant is predicted to result in the amino acid substitution p.Arg34Gly. This variant was reported in an individual with obesity; however, it was also found in a lean sibling and did not appear to segregate with obesity in this family (Hung et al. 2003. PubMed ID: 12716767). Functional studies using HepG2 cells showed that the p.Arg34Gly variant retained wild-type activity (Echwald et al. 2004. PubMed ID: 15459958). This variant is reported in 0.059% of alleles in individuals of European (Finnish) descent in gnomAD. At this time, the clinical significance of this variant is uncertain due to the absence of conclusive functional and genetic evidence.

Labcorp Genetics (formerly Invitae), Labcorp
Classification: Uncertain significance. Last evaluated: 2025-12-03. Review status: criteria provided, single submitter. Criteria: Invitae Variant Classification Sherloc (09022015). Collection method: clinical testing. Allele origin: germline.
Comment: This sequence change replaces arginine, which is basic and polar, with glycine, which is neutral and non-polar, at codon 34 of the NR0B2 protein (p.Arg34Gly). This variant is present in population databases (rs74315349, gnomAD 0.06%), and has an allele count higher than expected for a pathogenic variant. This missense change has been observed in individual(s) with obesity (PMID: 2716767, 15459958). ClinVar contains an entry for this variant (Variation ID: 2636245). An algorithm developed to predict the effect of missense changes on protein structure and function (PolyPhen-2) suggests that this variant is likely to be tolerated. In summary, the available evidence is currently insufficient to determine the role of this variant in disease. Therefore, it has been classified as a Variant of Uncertain Significance.

Literature cited by the submitters: PubMed 2716767 (cited by Labcorp Genetics (formerly Invitae), Labcorp); PubMed 15459958 (cited by Labcorp Genetics (formerly Invitae), Labcorp).